The following is an entry in ClinVar:

NM_007194.4(CHEK2):c.325G>C (p.Val109Leu)

Gene: CHEK2 (checkpoint kinase 2; minus strand). Cytogenetic location: 22q12.1.
Variant type: single nucleotide variant.
Coding change: c.325G>C on transcript NM_007194.4 (MANE Select); coding-DNA position 325, G replaced by C.
Protein change: p.Val109Leu; replaces valine 109 with leucine.
Molecular consequence: missense variant.
Genome position (GRCh38, 1-based): chr22:28,725,362, C>G on the plus strand (G>C on the coding strand, the complement: CHEK2 is on the minus strand). VCF-style: chr22-28725362-C-G. GRCh37 (hg19) VCF-style: chr22-29121350-C-G.
Other names: c.454G>C, p.Val152Leu (NM_001005735.3); c.-453G>C (NM_001257387.3); c.325G>C, p.Val109Leu (NM_001349956.3, NM_145862.3); short protein forms V109L, V152L.
Identifiers: ClinVar variation 573018 (VCV000573018.9), dbSNP rs1569159114, ClinGen allele CA411108282.
Genomic context (GRCh38, chr22:28,725,362, plus strand): 5'-GTGGTTCATCAAAGCAATATTCACAGCTTTTGTCCCTCCCAAACCAGTAGTTGTCATTCA[C>G]ACATTCTGTAATATAAAAGCATGCATCAGAGGGCTGTTGAATTTCATGTATCAAACGTTT-3'
Protein context (NP_009125.1, residues 99-119): LQDGFANLEC[Val109Leu]NDNYWFGRDK

ClinVar aggregate classification (germline): Uncertain significance (1 of 4 stars; one submission).

Conditions:
Familial cancer of breast. Also called: hereditary breast carcinoma; BREAST CANCER, FAMILIAL; Hereditary breast cancer. Identifiers: Orphanet 227535, MedGen C0346153, MONDO:0016419, OMIM 114480. Disease mechanism: loss of function.

Submission:

Labcorp Genetics (formerly Invitae), Labcorp
Classification: Uncertain significance for Familial cancer of breast. Last evaluated: 2018-05-26. Review status: criteria provided, single submitter. Criteria: Invitae Variant Classification Sherloc (09022015). Collection method: clinical testing. Allele origin: germline.
Comment: In summary, the available evidence is currently insufficient to determine the role of this variant in disease. Therefore, it has been classified as a Variant of Uncertain Significance. Algorithms developed to predict the effect of missense changes on protein structure and function (SIFT, PolyPhen-2, Align-GVGD) all suggest that this variant is likely to be tolerated, but these predictions have not been confirmed by published functional studies and their clinical significance is uncertain. This variant has not been reported in the literature in individuals with CHEK2-related disease. This variant is not present in population databases (ExAC no frequency). This sequence change replaces valine with leucine at codon 109 of the CHEK2 protein (p.Val109Leu). The valine residue is highly conserved and there is a small physicochemical difference between valine and leucine.